The following is an entry in ClinVar:

NM_014874.4(MFN2):c.2070-63C>T

Gene: MFN2 (mitofusin 2; plus strand). Cytogenetic location: 1p36.22.
Variant type: single nucleotide variant.
Coding change: c.2070-63C>T on transcript NM_014874.4 (MANE Select); 63 bases into the intron before coding-DNA position 2070, C replaced by T.
Molecular consequence: intron variant.
Genome position (GRCh38, 1-based): chr1:12,009,529, C>T. VCF-style: chr1-12009529-C-T. GRCh37 (hg19) VCF-style: chr1-12069586-C-T.
Other names: c.2070-63C>T (NM_001127660.2).
Identifiers: ClinVar variation 675536 (VCV000675536.2), dbSNP rs115175952, ClinGen allele CA18016779.
Genomic context (GRCh38, chr1:12,009,529, plus strand): 5'-TCAGGGCAGAGCTGCTGGCAGGGATATAGACAGGCCCAGCTGCTCCCTACTGTGGGTGGG[C>T]TAAGCCACCAGTGGCATCTTGCTCCACACACCCCAACTGGGTCCCTTCTCTCTCCTCCCC-3'

ClinVar aggregate classification (germline): Benign. Review status: criteria provided, multiple submitters, no conflicts (2 of 4 stars). 2 submissions from 2 submitters: Benign (2). Last evaluated 2018-06-16.

Allele frequency attached by ClinVar (database versions not stated): gnomAD exomes 0.00282; gnomAD 0.02927 and 0.03125; TOPMed 0.03288; 1000 Genomes Project 0.03395; 1000 Genomes Project 30x 0.03592.
gnomAD v4.1: 8,718 of 1,611,056 alleles (0.54%); highest among the groups gnomAD compares: African/African-American, 10%; 382 homozygotes.

Submissions (2):

GeneDx
Classification: Benign. Last evaluated: 2018-06-16. Review status: criteria provided, single submitter. Criteria: GeneDx Variant Classification (06012015). Collection method: clinical testing. Allele origin: germline. Affected: yes.
Comment: This variant is considered likely benign or benign based on one or more of the following criteria: it is a conservative change, it occurs at a poorly conserved position in the protein, it is predicted to be benign by multiple in silico algorithms, and/or has population frequency not consistent with disease.

Breakthrough Genomics
Classification: Benign. Review status: criteria provided, single submitter. Criteria: ACMG Guidelines, 2015. Collection method: not provided. Allele origin: germline. Inheritance: Autosomal recessive inheritance. Affected: yes.